The following is an entry in ClinVar:

NM_000090.4(COL3A1):c.598C>A (p.Gln200Lys)

Gene: COL3A1 (collagen type III alpha 1 chain; plus strand). Cytogenetic location: 2q32.2.
Variant type: single nucleotide variant.
Coding change: c.598C>A on transcript NM_000090.4 (MANE Select); coding-DNA position 598, C replaced by A.
Protein change: p.Gln200Lys; replaces glutamine 200 with lysine.
Molecular consequence: missense variant.
Genome position (GRCh38, 1-based): chr2:188,988,605, C>A. VCF-style: chr2-188988605-C-A. GRCh37 (hg19) VCF-style: chr2-189853331-C-A.
Other names: short protein forms Q200K.
Identifiers: ClinVar variation 2775090 (VCV002775090.4), dbSNP rs2469114487, ClinGen allele CA349848339.
Genomic context (GRCh38, chr2:188,988,605, plus strand): 5'-GAAGATTTTGTTACTTTAAAATTATTTACATATTCTACTCACTAGGGATCTCCAGGATAC[C>A]AAGGACCCCCTGGTGAACCTGGGCAAGCTGGTCCTTCAGTAAGTAACAATTAAATTTATA-3'
Protein context (NP_000081.2, residues 190-210): HPGSPGSPGY[Gln200Lys]GPPGEPGQAG

ClinVar aggregate classification (germline): Uncertain significance. Review status: criteria provided, multiple submitters, no conflicts (2 of 4 stars). 2 submissions from 2 submitters: Uncertain significance (2). Last evaluated 2024-07-29.

Conditions:
Ehlers-Danlos syndrome, type 4 (EDSVASC). Also called: Ehlers-Danlos Syndrome Type IV; Ehlers-Danlos syndrome vascular type; Ehlers Danlos syndrome, ecchymotic type; Ehlers Danlos syndrome, arterial type; Ehlers Danlos syndrome, Sack-Barabas type. Identifiers: Orphanet 286, MedGen C0268338, MONDO:0017314, OMIM 130050.
Familial thoracic aortic aneurysm and aortic dissection (TAAD). Also called: Thoracic aortic aneurysms and dissections. Identifiers: Orphanet 91387, MedGen C4707243, MONDO:0019625.

Submissions (2):

All of Us Research Program, National Institutes of Health
Classification: Uncertain significance for Ehlers-Danlos syndrome, type 4. Last evaluated: 2024-07-29. Review status: criteria provided, single submitter. Criteria: ACMG Guidelines, 2015. Collection method: clinical testing. Allele origin: germline. Inheritance: Autosomal dominant inheritance. Observed: 2 variant alleles, 2 heterozygotes.
Comment: This missense variant replaces glutamine with lysine at codon 200 of the COL3A1 protein. Computational prediction suggests that this variant may not impact protein structure and function (internally defined REVEL score threshold <= 0.5, PMID: 27666373). To our knowledge, functional studies have not been reported for this variant. This variant has not been reported in individuals affected with cardiovascular disorders in the literature. This variant has not been identified in the general population by the Genome Aggregation Database (gnomAD). The available evidence is insufficient to determine the role of this variant in disease conclusively. Therefore, this variant is classified as a Variant of Uncertain Significance.

This study involves interpretation of variants in research participants for the purpose of population health screening. Participant phenotype was not available at the time of variant classification. Additional details can be found in publication PMID: 35346344, PMCID: PMC8962531

Color Diagnostics, LLC DBA Color Health
Classification: Uncertain significance for Familial thoracic aortic aneurysm and aortic dissection. Last evaluated: 2024-03-06. Review status: criteria provided, single submitter. Criteria: ACMG Guidelines, 2015. Collection method: clinical testing. Allele origin: germline.
Comment: This missense variant replaces glutamine with lysine at codon 200 of the COL3A1 protein. Computational prediction suggests that this variant may not impact protein structure and function (internally defined REVEL score threshold <= 0.5, PMID: 27666373). To our knowledge, functional studies have not been reported for this variant. This variant has not been reported in individuals affected with cardiovascular disorders in the literature. This variant has not been identified in the general population by the Genome Aggregation Database (gnomAD). The available evidence is insufficient to determine the role of this variant in disease conclusively. Therefore, this variant is classified as a Variant of Uncertain Significance.